The following is an entry in ClinVar:

NM_000638.4(VTN):c.1316T>C (p.Phe439Ser)

Gene: VTN (vitronectin; minus strand). Cytogenetic location: 17q11.2.
Variant type: single nucleotide variant.
Coding change: c.1316T>C on transcript NM_000638.4 (MANE Select); coding-DNA position 1316, T replaced by C.
Protein change: p.Phe439Ser; replaces phenylalanine 439 with serine.
Molecular consequence: missense variant.
Genome position (GRCh38, 1-based): chr17:28,367,723, A>G on the plus strand (T>C on the coding strand, the complement: VTN is on the minus strand). VCF-style: chr17-28367723-A-G. GRCh37 (hg19) VCF-style: chr17-26694744-A-G.
Other names: short protein forms F439S.
Identifiers: ClinVar variation 4992557 (VCV004992557.1).
Genomic context (GRCh38, chr17:28,367,723, plus strand): 5'-CAGCAAGGAAAACCCAAGCTAGACCAGCTTCAGGGGTGGCAGCGGCTCCTACCTCCAGAG[A>G]AGAAGAAGACACTCTGGATGGGTTCACAGGTGGCAGGCACAAGCCAGTCCATCCTGTAGT-3'
Protein context (NP_000629.3, residues 429-449): TCEPIQSVFF[Phe439Ser]SGDKYYRVNL

ClinVar aggregate classification (germline): Uncertain significance (1 of 4 stars; one submission).

Conditions:
VTN-related disorder. Also called: VTN-related condition.

Submission:

PreventionGenetics, part of Exact Sciences
Classification: Uncertain significance for VTN-related condition. Last evaluated: 2026-08-03. Review status: criteria provided, single submitter. Criteria: ACMG Guidelines, 2015. Collection method: clinical testing. Allele origin: germline.
Comment: The VTN c.1316T>C variant is predicted to result in the amino acid substitution p.Phe439Ser. To our knowledge, this variant has not been reported in the literature or in a large population database (gnomAD), indicating this variant is rare. At this time, the clinical significance of this variant is uncertain due to the absence of conclusive functional and genetic evidence.